The following is an entry in ClinVar:

ClinVar aggregate classification (germline): Uncertain significance. Review status: criteria provided, multiple submitters, no conflicts (2 of 4 stars). 2 submissions from 2 submitters: Uncertain significance (2). Last evaluated 2025-07-29.

Conditions:
Frontotemporal dementia and/or amyotrophic lateral sclerosis 7 (FTDALS7). Also called: CHMP2B-Related Frontotemporal Dementia-Amyotrophic Lateral Sclerosis; Amyotrophic lateral sclerosis 17; CHMP2B-related frontotemporal dementia; AMYOTROPHIC LATERAL SCLEROSIS, CHMP2B-RELATED. Identifiers: Orphanet 275864, Orphanet 282, Orphanet 803, MedGen C1833296, MONDO:0010936, OMIM 600795.

Allele frequency attached by ClinVar (database versions not stated): gnomAD exomes below 0.00001; ExAC 0.00001.
gnomAD v4.1: 2 of 1,602,930 alleles (0.00012%); highest among the groups gnomAD compares: Non-Finnish European, 0.00017%; no homozygotes.

Submissions (2):

GeneDx
Classification: Uncertain significance. Last evaluated: 2025-07-29. Review status: criteria provided, single submitter. Criteria: GeneDx Variant Classification Process June 2021. Collection method: clinical testing. Allele origin: germline. Affected: yes.
Comment: In silico analysis supports that this missense variant has a deleterious effect on protein structure/function; Has not been previously published as pathogenic or benign to our knowledge

Labcorp Genetics (formerly Invitae), Labcorp
Classification: Uncertain significance for Frontotemporal dementia and/or amyotrophic lateral sclerosis 7. Last evaluated: 2023-05-30. Review status: criteria provided, single submitter. Criteria: Invitae Variant Classification Sherloc (09022015). Collection method: clinical testing. Allele origin: germline.
Comment: This sequence change replaces asparagine, which is neutral and polar, with lysine, which is basic and polar, at codon 113 of the CHMP2B protein (p.Asn113Lys). This variant is present in population databases (rs747904374, gnomAD 0.0009%). This variant has not been reported in the literature in individuals affected with CHMP2B-related conditions. ClinVar contains an entry for this variant (Variation ID: 1392585). An algorithm developed to predict the effect of missense changes on protein structure and function (PolyPhen-2) suggests that this variant is likely to be disruptive. In summary, the available evidence is currently insufficient to determine the role of this variant in disease. Therefore, it has been classified as a Variant of Uncertain Significance.

NM_014043.4(CHMP2B):c.339C>G (p.Asn113Lys)

Gene: CHMP2B (charged multivesicular body protein 2B; plus strand). Cytogenetic location: 3p11.2.
Variant type: single nucleotide variant.
Coding change: c.339C>G on transcript NM_014043.4 (MANE Select); coding-DNA position 339, C replaced by G.
Protein change: p.Asn113Lys; replaces asparagine 113 with lysine.
Molecular consequence: missense variant.
Genome position (GRCh38, 1-based): chr3:87,249,892, C>G. VCF-style: chr3-87249892-C-G. GRCh37 (hg19) VCF-style: chr3-87299042-C-G.
Other names: c.216C>G, p.Asn72Lys (NM_001244644.2); c.339C>G (NM_014043.3); short protein forms N72K, N113K.
Identifiers: ClinVar variation 1392585 (VCV001392585.9), dbSNP rs747904374, ClinGen allele CA2500969.